The following is an entry in ClinVar:

ClinVar aggregate classification (germline): Uncertain significance (1 of 4 stars; one submission).

Submission:

Labcorp Genetics (formerly Invitae), Labcorp
Classification: Uncertain significance. Last evaluated: 2022-12-10. Review status: criteria provided, single submitter. Criteria: Invitae Variant Classification Sherloc (09022015). Collection method: clinical testing. Allele origin: germline.
Comment: In summary, the available evidence is currently insufficient to determine the role of this variant in disease. Therefore, it has been classified as a Variant of Uncertain Significance. Advanced modeling of protein sequence and biophysical properties (such as structural, functional, and spatial information, amino acid conservation, physicochemical variation, residue mobility, and thermodynamic stability) performed at Invitae indicates that this missense variant is expected to disrupt FH protein function. This variant has not been reported in the literature in individuals affected with FH-related conditions. This variant is not present in population databases (gnomAD no frequency). This sequence change replaces isoleucine, which is neutral and non-polar, with leucine, which is neutral and non-polar, at codon 338 of the FH protein (p.Ile338Leu).

NM_000143.4(FH):c.1012A>C (p.Ile338Leu)

Gene: FH (fumarate hydratase; minus strand). Cytogenetic location: 1q43.
Variant type: single nucleotide variant.
Coding change: c.1012A>C on transcript NM_000143.4 (MANE Select); coding-DNA position 1012, A replaced by C.
Protein change: p.Ile338Leu; replaces isoleucine 338 with leucine.
Molecular consequence: missense variant.
Genome position (GRCh38, 1-based): chr1:241,504,138, T>G on the plus strand (A>C on the coding strand, the complement: FH is on the minus strand). VCF-style: chr1-241504138-T-G. GRCh37 (hg19) VCF-style: chr1-241667438-T-G.
Other names: short protein forms I338L.
Identifiers: ClinVar variation 2819977 (VCV002819977.3), dbSNP rs2527319455, ClinGen allele CA345438223.